The following is an entry in ClinVar:

ClinVar aggregate classification (germline): Uncertain significance (1 of 4 stars; one submission).

Conditions:
Hyperaldosteronism, familial, type IV (HALD4). Also called: FH IV; ALDOSTERONISM, PRIMARY, AND HYPERTENSION. Identifiers: Orphanet 642671, MedGen C4310756, MONDO:0014875, OMIM 617027.
Idiopathic generalized epilepsy. Also called: EIG; Generalised epilepsy. Identifiers: MedGen C0270850, MONDO:0005579, OMIM 600669.

Submission:

Labcorp Genetics (formerly Invitae), Labcorp
Classification: Uncertain significance for Idiopathic generalized epilepsy; Hyperaldosteronism, familial, type IV. Last evaluated: 2025-02-20. Review status: criteria provided, single submitter. Criteria: Invitae Variant Classification Sherloc (09022015). Collection method: clinical testing. Allele origin: germline.
Comment: This sequence change replaces leucine, which is neutral and non-polar, with proline, which is neutral and non-polar, at codon 1581 of the CACNA1H protein (p.Leu1581Pro). This variant is present in population databases (rs763158238, gnomAD 0.02%). This variant has not been reported in the literature in individuals affected with CACNA1H-related conditions. Invitae Evidence Modeling of protein sequence and biophysical properties (such as structural, functional, and spatial information, amino acid conservation, physicochemical variation, residue mobility, and thermodynamic stability) indicates that this missense variant is not expected to disrupt CACNA1H protein function with a negative predictive value of 80%. In summary, the available evidence is currently insufficient to determine the role of this variant in disease. Therefore, it has been classified as a Variant of Uncertain Significance.

NM_021098.3(CACNA1H):c.4742T>C (p.Leu1581Pro)

Gene: CACNA1H (calcium voltage-gated channel subunit alpha1 H; plus strand). Cytogenetic location: 16p13.3.
Variant type: single nucleotide variant.
Coding change: c.4742T>C on transcript NM_021098.3 (MANE Select); coding-DNA position 4742, T replaced by C.
Protein change: p.Leu1581Pro; replaces leucine 1581 with proline.
Molecular consequence: missense variant.
Genome position (GRCh38, 1-based): chr16:1,212,121, T>C. VCF-style: chr16-1212121-T-C. GRCh37 (hg19) VCF-style: chr16-1262121-T-C.
Other names: c.4742T>C, p.Leu1581Pro (NM_001005407.2); short protein forms L1581P.
Identifiers: ClinVar variation 4791829 (VCV004791829.1).